The following is an entry in ClinVar:

ClinVar aggregate classification (germline): Likely benign. Review status: criteria provided, multiple submitters, no conflicts (2 of 4 stars). 3 submissions from 3 submitters: Likely benign (3). Last evaluated 2026-08-01.

Conditions:
Wiedemann-Steiner syndrome (WDSTS). Also called: Growth deficiency and mental retardation with facial dysmorphism. Identifiers: Orphanet 319182, MedGen C1854630, MONDO:0011518, OMIM 605130.

Allele frequency attached by ClinVar (database versions not stated): ExAC 0.00002; gnomAD exomes 0.00002 and 0.00004; ESP Exome Variant Server 0.00008; 1000 Genomes Project 30x 0.00016; 1000 Genomes Project 0.00020; gnomAD 0.00026 and 0.00029; TOPMed 0.00032.
gnomAD v4.1: 76 of 1,614,096 alleles (0.0047%); highest among the groups gnomAD compares: African/African-American, 0.092%; no homozygotes.

Submissions (3):

CeGaT Center for Human Genetics Tuebingen
Classification: Likely benign. Last evaluated: 2026-08-01. Review status: criteria provided, single submitter. Criteria: CeGaT Center For Human Genetics Tuebingen Variant Classification Criteria Version 2. Collection method: clinical testing. Allele origin: germline. Affected: yes. Observed: 1 variant allele.
Comment: KMT2A: BP4, BP7

Labcorp Genetics (formerly Invitae), Labcorp
Classification: Likely benign. Last evaluated: 2025-11-09. Review status: criteria provided, single submitter. Criteria: Invitae Variant Classification Sherloc (09022015). Collection method: clinical testing. Allele origin: germline.

Fulgent Genetics
Classification: Likely benign for Wiedemann-Steiner syndrome. Last evaluated: 2022-04-13. Review status: criteria provided, single submitter. Criteria: ACMG Guidelines, 2015. Collection method: clinical testing. Allele origin: unknown.

NM_001197104.2(KMT2A):c.8697A>G (p.Val2899=)

Gene: KMT2A (lysine methyltransferase 2A; plus strand). Cytogenetic location: 11q23.3.
Variant type: single nucleotide variant.
Coding change: c.8697A>G on transcript NM_001197104.2 (MANE Select); coding-DNA position 8697, A replaced by G.
Protein change: p.Val2899=; no amino-acid change (valine 2899 retained).
Molecular consequence: synonymous variant.
Genome position (GRCh38, 1-based): chr11:118,504,589, A>G. VCF-style: chr11-118504589-A-G. GRCh37 (hg19) VCF-style: chr11-118375304-A-G.
Other names: c.8688A>G, p.Val2896= (NM_005933.4).
Identifiers: ClinVar variation 1651819 (VCV001651819.10), dbSNP rs139469741, ClinGen allele CA6304522.